The following is an entry in ClinVar:

NM_001082971.2(DDC):c.20G>A (p.Arg7Gln)

Gene: DDC (dopa decarboxylase; minus strand). Cytogenetic location: 7p12.1.
Variant type: single nucleotide variant.
Coding change: c.20G>A on transcript NM_001082971.2 (MANE Select); coding-DNA position 20, G replaced by A.
Protein change: p.Arg7Gln; replaces arginine 7 with glutamine.
Molecular consequence: missense variant.
Genome position (GRCh38, 1-based): chr7:50,544,066, C>T on the plus strand (G>A on the coding strand, the complement: DDC is on the minus strand). VCF-style: chr7-50544066-C-T. GRCh37 (hg19) VCF-style: chr7-50611764-C-T.
Other names: c.20G>A, p.Arg7Gln (NM_000790.4, NM_001242886.2, NM_001242887.2 and 3 more transcripts); short protein forms R7Q.
Identifiers: ClinVar variation 360443 (VCV000360443.9), dbSNP rs200792455, ClinGen allele CA4262518.

ClinVar aggregate classification (germline): Uncertain significance. Review status: criteria provided, multiple submitters, no conflicts (2 of 4 stars). 3 submissions from 3 submitters: Uncertain significance (3). Last evaluated 2024-01-02.

Conditions:
Deficiency of aromatic-L-amino-acid decarboxylase. Also called: AADC DEFICIENCY; DDC DEFICIENCY; DOPA DECARBOXYLASE DEFICIENCY; Aromatic amino acid decarboxylase deficiency; Aromatic L-Amino Acid Decarboxylase Deficiency. Identifiers: Orphanet 35708, MedGen C1291564, MONDO:0012084, OMIM 608643.

Allele frequency attached by ClinVar (database versions not stated): ExAC 0.00007; TOPMed 0.00007; ESP Exome Variant Server 0.00008; gnomAD exomes 0.00008 and 0.00020; gnomAD 0.00009; 1000 Genomes Project 30x 0.00016; 1000 Genomes Project 0.00020.
gnomAD v4.1: 295 of 1,614,104 alleles (0.018%); highest among the groups gnomAD compares: East Asian, 0.056%; 1 homozygote.

Submissions (3):

Labcorp Genetics (formerly Invitae), Labcorp
Classification: Uncertain significance for Deficiency of aromatic-L-amino-acid decarboxylase. Last evaluated: 2024-01-02. Review status: criteria provided, single submitter. Criteria: Invitae Variant Classification Sherloc (09022015). Collection method: clinical testing. Allele origin: germline.
Comment: This sequence change replaces arginine, which is basic and polar, with glutamine, which is neutral and polar, at codon 7 of the DDC protein (p.Arg7Gln). This variant is present in population databases (rs200792455, gnomAD 0.03%). This variant has not been reported in the literature in individuals affected with DDC-related conditions. ClinVar contains an entry for this variant (Variation ID: 360443). Advanced modeling of protein sequence and biophysical properties (such as structural, functional, and spatial information, amino acid conservation, physicochemical variation, residue mobility, and thermodynamic stability) has been performed at Invitae for this missense variant, however the output from this modeling did not meet the statistical confidence thresholds required to predict the impact of this variant on DDC protein function. In summary, the available evidence is currently insufficient to determine the role of this variant in disease. Therefore, it has been classified as a Variant of Uncertain Significance.

Blueprint Genetics
Classification: Uncertain significance. Last evaluated: 2022-12-14. Review status: criteria provided, single submitter. Criteria: ACMG Guidelines, 2015. Collection method: clinical testing. Allele origin: germline.

Illumina Laboratory Services, Illumina
Classification: Uncertain significance for Deficiency of aromatic-L-amino-acid decarboxylase. Last evaluated: 2018-01-12. Review status: criteria provided, single submitter. Criteria: ICSL Variant Classification Criteria 13 December 2019. Collection method: clinical testing. Allele origin: germline.